The following is an entry in ClinVar:

ClinVar aggregate classification (germline): Uncertain significance (1 of 4 stars; one submission).

Conditions:
Spastic paraplegia. Identifiers: MedGen C0037772, HP:0001258.

Submission:

Labcorp Genetics (formerly Invitae), Labcorp
Classification: Uncertain significance for Spastic paraplegia. Last evaluated: 2021-11-08. Review status: criteria provided, single submitter. Criteria: Invitae Variant Classification Sherloc (09022015). Collection method: clinical testing. Allele origin: germline.
Comment: This sequence change replaces isoleucine, which is neutral and non-polar, with phenylalanine, which is neutral and non-polar, at codon 467 of the RTN2 protein (p.Ile467Phe). This variant is not present in population databases (gnomAD no frequency). This variant has not been reported in the literature in individuals affected with RTN2-related conditions. Algorithms developed to predict the effect of missense changes on protein structure and function (SIFT, PolyPhen-2, Align-GVGD) all suggest that this variant is likely to be tolerated. In summary, the available evidence is currently insufficient to determine the role of this variant in disease. Therefore, it has been classified as a Variant of Uncertain Significance.

NM_005619.5(RTN2):c.1399A>T (p.Ile467Phe)

Genes: OPA3-RTN2 (OPA3-RTN2 readthrough; minus strand), RTN2 (reticulon 2; minus strand). Cytogenetic location: 19q13.32.
Variant type: single nucleotide variant.
Coding change: c.1399A>T on transcript NM_005619.5 (MANE Select); coding-DNA position 1399, A replaced by T.
Protein change: p.Ile467Phe; replaces isoleucine 467 with phenylalanine.
Molecular consequence: missense variant.
Genome position (GRCh38, 1-based): chr19:45,488,688, T>A on the plus strand (A>T on the coding strand, the complement: RTN2 is on the minus strand). VCF-style: chr19-45488688-T-A. GRCh37 (hg19) VCF-style: chr19-45991946-T-A.
Other names: c.1180A>T, p.Ile394Phe (NM_206900.3); c.379A>T, p.Ile127Phe (NM_206901.3); short protein forms I127F, I467F, I394F.
Identifiers: ClinVar variation 1396654 (VCV001396654.6), dbSNP rs1420083691, ClinGen allele CA406354600.